The following is an entry in ClinVar:

NM_020207.7(ERCC6L2):c.1912G>A (p.Glu638Lys)

Gene: ERCC6L2 (ERCC excision repair 6 like 2; plus strand). Cytogenetic location: 9q22.32.
Variant type: single nucleotide variant.
Coding change: c.1912G>A on transcript NM_020207.7 (MANE Select); coding-DNA position 1912, G replaced by A.
Protein change: p.Glu638Lys; replaces glutamic acid 638 with lysine.
Molecular consequence: missense variant. On other transcripts: non-coding transcript variant (1).
Genome position (GRCh38, 1-based): chr9:95,955,978, G>A. VCF-style: chr9-95955978-G-A. GRCh37 (hg19) VCF-style: chr9-98718260-G-A.
Other names: c.1912G>A, p.Glu638Lys (NM_001010895.4, NM_001375291.1, NM_001375292.1 and 2 more transcripts); short protein forms E638K.
Identifiers: ClinVar variation 3845838 (VCV003845838.1).

ClinVar aggregate classification (germline): Uncertain significance (1 of 4 stars; one submission).

Conditions:
Inborn genetic diseases. Identifiers: MedGen C0950123, MeSH D030342.

gnomAD v4.1: 2 of 1,608,232 alleles (0.00012%); highest among the groups gnomAD compares: Non-Finnish European, 0.00017%; no homozygotes.

Submission:

Ambry Genetics
Classification: Uncertain significance for Inborn genetic diseases. Last evaluated: 2025-01-01. Review status: criteria provided, single submitter. Criteria: Ambry Variant Classification Scheme 2023. Collection method: clinical testing. Allele origin: germline.
Comment: The p.E638K variant (also known as c.1912G>A), located in coding exon 13 of the ERCC6L2 gene, results from a G to A substitution at nucleotide position 1912. The glutamic acid at codon 638 is replaced by lysine, an amino acid with similar properties. This amino acid position is conserved. In addition, this alteration is predicted to be deleterious by in silico analysis. Based on the available evidence, the clinical significance of this variant remains unclear.